The following is an entry in ClinVar:

ClinVar aggregate classification (germline): Pathogenic (1 of 4 stars; one submission).

Submission:

ISCA site 17
Classification: Pathogenic. Last evaluated: 2011-08-12. Review status: criteria provided, single submitter. Criteria: Kaminsky et al. (Genet Med. 2011). Collection method: clinical testing. Allele origin: unknown. Affected: yes. Observed: 1 variant allele.
Comment: Copy number variation identified through the course of routine clinical cytogenomic testing in postnatal populations. Clinical assertions have been curated as described in Kaminsky et al. 2011.

GRCh38/hg38 22q11.21(chr22:18339130-21207225)x3

Genes: LRRC74B (leucine rich repeat containing 74B; plus strand), LRRC74BNL (LRRC74B N-terminal like; minus strand), LZTR1 (leucine zipper like post translational regulator 1; plus strand), MED15 (mediator complex subunit 15; plus strand), MIR1286 (microRNA 1286; minus strand) and 189 more. Cytogenetic location: 22q11.21.
Variant type: copy number gain.
Change: copy number 3 (three copies instead of two) of chr22:18,339,130-21,207,225 (2.87 Mb, GRCh38 coordinates, 1-based), cytogenetic band 22q11.21.
Identifiers: ClinVar variation 58197 (VCV000058197.1).